The following is an entry in ClinVar:

ClinVar aggregate classification (germline): Likely benign (0 of 4 stars; one submission).

Conditions:
CYP4F2-related disorder. Also called: CYP4F2-related condition.

Allele frequency attached by ClinVar (database versions not stated): gnomAD exomes 0.00006; ExAC 0.00024; 1000 Genomes Project 0.00040; ESP Exome Variant Server 0.00046; 1000 Genomes Project 30x 0.00062.

Submission:

PreventionGenetics, part of Exact Sciences
Classification: Likely benign for CYP4F2-related condition. Last evaluated: 2019-08-13. Review status: no assertion criteria provided. Collection method: clinical testing. Allele origin: germline.
Comment: This variant is classified as likely benign based on ACMG/AMP sequence variant interpretation guidelines (Richards et al. 2015 PMID: 25741868, with internal and published modifications).

NM_001082.5(CYP4F2):c.1092C>T (p.Asp364=)

Gene: CYP4F2 (cytochrome P450 family 4 subfamily F member 2; minus strand). Cytogenetic location: 19p13.12.
Variant type: single nucleotide variant.
Coding change: c.1092C>T on transcript NM_001082.5 (MANE Select); coding-DNA position 1092, C replaced by T.
Protein change: p.Asp364=; no amino-acid change (aspartic acid 364 retained).
Molecular consequence: synonymous variant.
Genome position (GRCh38, 1-based): chr19:15,885,947, G>A on the plus strand (C>T on the coding strand, the complement: CYP4F2 is on the minus strand). VCF-style: chr19-15885947-G-A. GRCh37 (hg19) VCF-style: chr19-15996757-G-A.
Identifiers: ClinVar variation 3052749 (VCV003052749.2), dbSNP rs146776687, ClinGen allele CA9273781.
Genomic context (GRCh38, chr19:15,885,947, plus strand): 5'-AAGGTCTCAGGAAGAGGCCACAAGCACCTGCACTCACCATTCAATCTCTTTAGGCTCACG[G>A]TCCTTCAGAAGTTCTTGCACCTCCTGCCGGCAGCGCTCCTGGTATTCTGGGTGCTTTGCA-3'
Protein context (NP_001073.3, residues 354-374): CRQEVQELLK[Asp364=]REPKEIEWDD